The following is an entry in ClinVar:

ClinVar aggregate classification (germline): Uncertain significance (1 of 4 stars; one submission).

Submission:

Labcorp Genetics (formerly Invitae), Labcorp
Classification: Uncertain significance. Last evaluated: 2023-03-30. Review status: criteria provided, single submitter. Criteria: Invitae Variant Classification Sherloc (09022015). Collection method: clinical testing. Allele origin: germline.
Comment: In summary, the available evidence is currently insufficient to determine the role of this variant in disease. Therefore, it has been classified as a Variant of Uncertain Significance. Algorithms developed to predict the effect of missense changes on protein structure and function output the following: SIFT: "Not Available"; PolyPhen-2: "Benign"; Align-GVGD: "Not Available". The serine amino acid residue is found in multiple mammalian species, which suggests that this missense change does not adversely affect protein function. This variant has not been reported in the literature in individuals affected with DYNC1I1-related conditions. This variant is present in population databases (no rsID available, gnomAD 0.0009%). This sequence change replaces asparagine, which is neutral and polar, with serine, which is neutral and polar, at codon 615 of the DYNC1I1 protein (p.Asn615Ser).

NM_001135556.2(DYNC1I1):c.1793A>G (p.Asn598Ser)

Genes: DYNC1I1 (dynein cytoplasmic 1 intermediate chain 1; plus strand), LOC110121293 (eExon 17 DLX5/6 limb enhancer; plus strand). Cytogenetic location: 7q21.3.
Variant type: single nucleotide variant.
Coding change: c.1793A>G on transcript NM_001135556.2 (MANE Select); coding-DNA position 1793, A replaced by G.
Protein change: p.Asn598Ser; replaces asparagine 598 with serine.
Molecular consequence: missense variant. On other transcripts: intron variant (1).
Genome position (GRCh38, 1-based): chr7:96,097,499, A>G. VCF-style: chr7-96097499-A-G. GRCh37 (hg19) VCF-style: chr7-95726811-A-G.
Other names: c.1733A>G, p.Asn578Ser (NM_001135557.2); c.1784A>G, p.Asn595Ser (NM_001278421.2); c.1844A>G, p.Asn615Ser (NM_004411.5); c.1717-12480A>G (NM_001278422.2); short protein forms N595S, N578S, N598S, N615S.
Identifiers: ClinVar variation 3001288 (VCV003001288.3), dbSNP rs1298576123, ClinGen allele CA368255426.